The following is an entry in ClinVar:

NM_000138.5(FBN1):c.2168A>C (p.Asp723Ala)

Gene: FBN1 (fibrillin 1; minus strand). Cytogenetic location: 15q21.1.
Variant type: single nucleotide variant.
Coding change: c.2168A>C on transcript NM_000138.5 (MANE Select); coding-DNA position 2168, A replaced by C.
Protein change: p.Asp723Ala; replaces aspartic acid 723 with alanine.
Molecular consequence: missense variant.
Genome position (GRCh38, 1-based): chr15:48,497,391, T>G on the plus strand (A>C on the coding strand, the complement: FBN1 is on the minus strand). VCF-style: chr15-48497391-T-G. GRCh37 (hg19) VCF-style: chr15-48789588-T-G.
Other names: c.2168A>C (NM_000138.4); short protein forms D723A.
Identifiers: ClinVar variation 16433 (VCV000016433.11), dbSNP rs137854463, ClinGen allele CA012833.

ClinVar aggregate classification (germline): Pathogenic/Likely pathogenic. Review status: criteria provided, multiple submitters, no conflicts (2 of 4 stars). 5 submissions from 5 submitters: Pathogenic (2); Likely pathogenic (2). 1 of the submissions does not count toward it. Last evaluated 2025-03-18.

Conditions:
Familial thoracic aortic aneurysm and aortic dissection (TAAD). Also called: Thoracic aortic aneurysms and dissections. Identifiers: Orphanet 91387, MedGen C4707243, MONDO:0019625.
Marfan syndrome (MFS). Also called: FBN1-Related Marfan Syndrome; Marfan syndrome type 1; Marfan's syndrome; Marfan syndrome, classic; MARFAN SYNDROME, TYPE I. Identifiers: Orphanet 284963, Orphanet 558, MedGen C0024796, MONDO:0007947, OMIM 154700.

Submissions (5):

GeneDx
Classification: Pathogenic. Last evaluated: 2025-03-18. Review status: criteria provided, single submitter. Criteria: GeneDx Variant Classification Process June 2021. Collection method: clinical testing. Allele origin: germline. Affected: yes.
Comment: Not observed at significant frequency in large population cohorts (gnomAD); In silico analysis supports that this missense variant has a deleterious effect on protein structure/function; This variant is associated with the following publications: (PMID: 8406497, 12203987, 9401003, 20591885, 20886638)

Ambry Genetics
Classification: Likely pathogenic for Familial thoracic aortic aneurysm and aortic dissection. Last evaluated: 2024-10-16. Review status: criteria provided, single submitter. Criteria: Ambry Variant Classification Scheme 2023. Collection method: clinical testing. Allele origin: germline.
Comment: The p.D723A variant (also known as c.2168A>C) is located in coding exon 18 of the FBN1 gene. The aspartic acid at codon 723 is replaced by alanine, an amino acid with dissimilar properties. This change occurs in the first base pair of coding exon 18. This variant alters a conserved residue in the calcium-binding consensus sequence of a cbEGF domain and is expected to disrupt FBN1 function (Handford PA et al. Nature. 1991; 351(6322):164-7). This variant was reported as de novo in an individual with features consistent with Marfan syndrome (Dietz HC et al. Genomics, 1993 Aug;17:468-75). This amino acid position is highly conserved in available vertebrate species. In addition, this alteration is predicted to be deleterious by in silico analysis. This variant is considered to be rare based on population cohorts in the Genome Aggregation Database (gnomAD). Based on the majority of available evidence to date, this variant is likely to be pathogenic.

Labcorp Genetics (formerly Invitae), Labcorp
Classification: Pathogenic for Marfan syndrome; Familial thoracic aortic aneurysm and aortic dissection. Last evaluated: 2023-10-04. Review status: criteria provided, single submitter. Criteria: Invitae Variant Classification Sherloc (09022015). Collection method: clinical testing. Allele origin: germline.
Comment: This sequence change replaces aspartic acid, which is acidic and polar, with alanine, which is neutral and non-polar, at codon 723 of the FBN1 protein (p.Asp723Ala). This variant is not present in population databases (gnomAD no frequency). This missense change has been observed in individual(s) with Marfan syndrome (PMID: 8406497). In at least one individual the variant was observed to be de novo. This variant is also known as D-176A. ClinVar contains an entry for this variant (Variation ID: 16433). An algorithm developed to predict the effect of missense changes on protein structure and function (PolyPhen-2) suggests that this variant is likely to be disruptive. This variant disrupts the p.Asp723 amino acid residue in FBN1. Other variant(s) that disrupt this residue have been determined to be pathogenic (PMID: 12203987). This suggests that this residue is clinically significant, and that variants that disrupt this residue are likely to be disease-causing. For these reasons, this variant has been classified as Pathogenic.

MGZ Medical Genetics Center
Classification: Likely pathogenic for Marfan syndrome. Last evaluated: 2022-05-11. Review status: criteria provided, single submitter. Criteria: ACMG Guidelines, 2015. Collection method: clinical testing. Allele origin: germline. Affected: yes. Observed: 1 variant allele.
Comment: ACMG criteria applied: PM1, PM5, PM2_SUP, PP2, PP3

OMIM
Classification: Pathogenic for MARFAN SYNDROME. Last evaluated: 1992-05-01. Review status: no assertion criteria provided. Collection method: literature only. Allele origin: germline. Not counted in ClinVar's aggregate classification.

Literature cited by the submitters: PubMed 8406497 (cited by Ambry Genetics and Labcorp Genetics (formerly Invitae), Labcorp); PubMed 12203987 (cited by Labcorp Genetics (formerly Invitae), Labcorp); PubMed 1569206 (cited by OMIM).